The following is an entry in ClinVar:

NM_001122630.2(CDKN1C):c.452C>T (p.Pro151Leu)

Gene: CDKN1C (cyclin dependent kinase inhibitor 1C; minus strand). Cytogenetic location: 11p15.4.
Variant type: single nucleotide variant.
Coding change: c.452C>T on transcript NM_001122630.2 (MANE Select); coding-DNA position 452, C replaced by T.
Protein change: p.Pro151Leu; replaces proline 151 with leucine.
Molecular consequence: missense variant. On other transcripts: intron variant (1).
Genome position (GRCh38, 1-based): chr11:2,885,005, G>A on the plus strand (C>T on the coding strand, the complement: CDKN1C is on the minus strand). VCF-style: chr11-2885005-G-A. GRCh37 (hg19) VCF-style: chr11-2906235-G-A.
Other names: c.485C>T, p.Pro162Leu (NM_000076.2, NM_001362474.2); c.452C>T, p.Pro151Leu (NM_001122631.2); c.255+197C>T (NM_001362475.2); short protein forms P162L, P151L.
Identifiers: ClinVar variation 849022 (VCV000849022.9), dbSNP rs1848949956, ClinGen allele CA379146606.
Genomic context (GRCh38, chr11:2,885,005, plus strand): 5'-GGGGCCGGGGCCAGGACCGCGACCGCGACCGGAGCCGCGACCGGAGCCGCGACCGGAGCC[G>A]GAGCCGGGGCCGGGGCTGGAGCCAGGACCGGGACTGGGGGCGGGGTGGACGCCGGGGCCG-3'
Protein context (NP_001116102.1, residues 141-161): PVLAPAPAPA[Pro151Leu]APVAAPVAAP

ClinVar aggregate classification (germline): Uncertain significance (1 of 4 stars; one submission).

Conditions:
Beckwith-Wiedemann syndrome (BWS). Also called: EMG SYNDROME; Exomphalos macroglossia gigantism syndrome. Identifiers: Orphanet 116, MedGen C0004903, MONDO:0007534, OMIM 130650.

Allele frequency attached by ClinVar (database versions not stated): gnomAD below 0.00001 and 0.00001; gnomAD exomes 0.00001.

Submission:

Labcorp Genetics (formerly Invitae), Labcorp
Classification: Uncertain significance for Beckwith-Wiedemann syndrome. Last evaluated: 2019-04-28. Review status: criteria provided, single submitter. Criteria: Invitae Variant Classification Sherloc (09022015). Collection method: clinical testing. Allele origin: germline.
Comment: Algorithms developed to predict the effect of missense changes on protein structure and function output the following: SIFT: "Tolerated"; PolyPhen-2: "Not Available"; Align-GVGD: "Class C0". The leucine amino acid residue is found in multiple mammalian species, suggesting that this missense change does not adversely affect protein function. These predictions have not been confirmed by published functional studies and their clinical significance is uncertain. In summary, the available evidence is currently insufficient to determine the role of this variant in disease. Therefore, it has been classified as a Variant of Uncertain Significance. This variant has not been reported in the literature in individuals with CDKN1C-related conditions. The frequency data for this variant in the population databases is considered unreliable, as metrics indicate insufficient coverage at this position in the ExAC database. This sequence change replaces proline with leucine at codon 162 of the CDKN1C protein (p.Pro162Leu). The proline residue is weakly conserved and there is a moderate physicochemical difference between proline and leucine.